The following is an entry in ClinVar:

ClinVar aggregate classification (germline): other (0 of 4 stars; one submission).

Conditions:
Malignant tumor of urinary bladder. Also called: Urinary bladder cancer; Urinary Bladder Neoplasms; Bladder cancer. Identifiers: MedGen C0005684, MONDO:0001187, OMIM 109800.

Allele frequency attached by ClinVar (database versions not stated): gnomAD 0.00001.
gnomAD v4.1: 1 of 232,312 alleles (0.00043%); highest among the groups gnomAD compares: Non-Finnish European, 0.00085%; no homozygotes.

Submission:

Gray Institute for Radiation Oncology & Biology, University of Oxford
Classification: other. Review status: no assertion criteria provided. Collection method: not provided. Allele origin: germline.
Comment: Detected by next-generation sequencing & confirmed by Sanger sequencing. Associated with survival following radical radiotherapy

NM_005591.4(MRE11):c.*1359T>C

Gene: MRE11 (MRE11 double strand break repair nuclease; minus strand). Cytogenetic location: 11q21.
Variant type: single nucleotide variant.
Coding change: c.*1359T>C on transcript NM_005591.4 (MANE Select); 1359 bases downstream of the stop codon, T replaced by C.
Molecular consequence: 3 prime UTR variant.
Genome position (GRCh38, 1-based): chr11:94,418,766, A>G on the plus strand (T>C on the coding strand, the complement: MRE11 is on the minus strand). VCF-style: chr11-94418766-A-G. GRCh37 (hg19) VCF-style: chr11-94151932-A-G.
Other names: c.*1359T>C (NM_001330347.2, NM_005590.4).
Identifiers: ClinVar variation 60639 (VCV000060639.1), dbSNP rs397509348, ClinGen allele CA144577.